The following is an entry in ClinVar:

NM_000382.3(ALDH3A2):c.877A>G (p.Ser293Gly)

Gene: ALDH3A2 (aldehyde dehydrogenase 3 family member A2; plus strand). Cytogenetic location: 17p11.2.
Variant type: single nucleotide variant.
Coding change: c.877A>G on transcript NM_000382.3 (MANE Select); coding-DNA position 877, A replaced by G.
Protein change: p.Ser293Gly; replaces serine 293 with glycine.
Molecular consequence: missense variant.
Genome position (GRCh38, 1-based): chr17:19,661,205, A>G. VCF-style: chr17-19661205-A-G. GRCh37 (hg19) VCF-style: chr17-19564518-A-G.
Other names: c.877A>G, p.Ser293Gly (NM_001031806.2, NM_001369136.1, NM_001369137.2 and 3 more transcripts); c.298A>G, p.Ser100Gly (NM_001369148.2); short protein forms S293G, S100G.
Identifiers: ClinVar variation 1473838 (VCV001473838.8), dbSNP rs2152329986, ClinGen allele CA398709271.

ClinVar aggregate classification (germline): Uncertain significance (1 of 4 stars; one submission).

Submission:

Labcorp Genetics (formerly Invitae), Labcorp
Classification: Uncertain significance. Last evaluated: 2021-05-25. Review status: criteria provided, single submitter. Criteria: Invitae Variant Classification Sherloc (09022015). Collection method: clinical testing. Allele origin: germline.
Comment: This sequence change replaces serine with glycine at codon 293 of the ALDH3A2 protein (p.Ser293Gly). The serine residue is moderately conserved and there is a small physicochemical difference between serine and glycine. In summary, the available evidence is currently insufficient to determine the role of this variant in disease. Therefore, it has been classified as a Variant of Uncertain Significance. Advanced modeling of protein sequence and biophysical properties (such as structural, functional, and spatial information, amino acid conservation, physicochemical variation, residue mobility, and thermodynamic stability) performed at Invitae indicates that this missense variant is not expected to disrupt ALDH3A2 protein function. This variant has not been reported in the literature in individuals with ALDH3A2-related conditions. This variant is not present in population databases (ExAC no frequency).